The following is an entry in ClinVar:

NM_002528.7(NTHL1):c.20_21delinsCA (p.Arg7Thr)

Gene: NTHL1 (nth like DNA glycosylase 1; minus strand). Cytogenetic location: 16p13.3.
Variant type: Indel.
Coding change: c.20_21delinsCA on transcript NM_002528.7 (MANE Select); coding-DNA positions 20 to 21, GG replaced by CA.
Protein change: p.Arg7Thr; replaces arginine 7 with threonine.
Molecular consequence: missense variant. On other transcripts: 5 prime UTR variant (1).
Genome position (GRCh38, 1-based): chr16:2,047,803-2,047,804, CC replaced by TG on the plus strand (GG replaced by CA on the coding strand, the reverse complement: NTHL1 is on the minus strand). VCF-style: chr16-2047803-CC-TG. GRCh37 (hg19) VCF-style: chr16-2097804-CC-TG.
Other names: c.20_21delinsCA, p.Arg7Thr (NM_001318193.2); c.-159_-158delinsCA (NM_001318194.2); short protein forms R7T.
Identifiers: ClinVar variation 1035657 (VCV001035657.12), dbSNP rs2084528877, ClinGen allele CA2201989455.
Genomic context (GRCh38, chr16:2,047,803, plus strand): 5'-CTCCTCCCTACACCCCCGCGGCCCAGCCCCGGGTCCCAGGCTCCGGCTCCGGGTCAGCAT[CC>TG]TCGCGCTCAAGGCGGTCATGCCGGACTCCTGCGGACTACACATCCCGGCGGCCCATGCGG-3'
Protein context (NP_002519.2, residues 1-17): MTALSA[Arg7Thr]MLTRSRSLGP

ClinVar aggregate classification (germline): Uncertain significance. Review status: criteria provided, multiple submitters, no conflicts (2 of 4 stars). 2 submissions from 2 submitters: Uncertain significance (2). Last evaluated 2025-07-17.

Conditions:
Hereditary cancer-predisposing syndrome. Also called: Hereditary neoplastic syndrome; Neoplastic Syndromes, Hereditary; Tumor predisposition; Hereditary Cancer Syndrome. Identifiers: Orphanet 140162, MedGen C0027672, MeSH D009386, MONDO:0015356.

Submissions (2):

Ambry Genetics
Classification: Uncertain significance for Hereditary cancer-predisposing syndrome. Last evaluated: 2025-07-17. Review status: criteria provided, single submitter. Criteria: Ambry Variant Classification Scheme 2023. Collection method: clinical testing. Allele origin: germline.
Comment: The c.44_45delGGinsCA variant (also known as p.R15T), located in coding exon 1 of the NTHL1 gene, results from an in-frame deletion of GG and insertion of CA at nucleotide positions 44 to 45. This results in the substitution of the arginine residue for a threonine residue, an amino acid with similar properties, at codon 15. This amino acid position is not well conserved in available vertebrate species. In addition, this alteration is predicted to be tolerated by in silico analysis. Based on the available evidence, the clinical significance of this alteration remains unclear.

Labcorp Genetics (formerly Invitae), Labcorp
Classification: Uncertain significance. Last evaluated: 2024-05-16. Review status: criteria provided, single submitter. Criteria: Invitae Variant Classification Sherloc (09022015). Collection method: clinical testing. Allele origin: germline.
Comment: This sequence change replaces arginine, which is basic and polar, with threonine, which is neutral and polar, at codon 15 of the NTHL1 protein (p.Arg15Thr). Information on the frequency of this variant in the gnomAD database is not available, as this variant may be reported differently in the database. This variant has not been reported in the literature in individuals affected with NTHL1-related conditions. ClinVar contains an entry for this variant (Variation ID: 1035657). An algorithm developed to predict the effect of missense changes on protein structure and function (PolyPhen-2) suggests that this variant is likely to be disruptive. In summary, the available evidence is currently insufficient to determine the role of this variant in disease. Therefore, it has been classified as a Variant of Uncertain Significance.